The following is an entry in ClinVar:

ClinVar aggregate classification (germline): Likely benign. Review status: criteria provided, multiple submitters, no conflicts (2 of 4 stars). 2 submissions from 2 submitters: Likely benign (2). Last evaluated 2025-06-27.

Conditions:
Facioscapulohumeral muscular dystrophy 2 (FSHD2). Also called: FACIOSCAPULOHUMERAL MUSCULAR DYSTROPHY 2, DIGENIC; FSHD2, DIGENIC; MUSCULAR DYSTROPHY, FACIOSCAPULOHUMERAL, TYPE 1B. Identifiers: Orphanet 269, MedGen C1834671, MONDO:0008031, OMIM 158901.

Allele frequency attached by ClinVar (database versions not stated): gnomAD 0.00001; TOPMed 0.00001; gnomAD exomes 0.00003 and 0.00004; ExAC 0.00006.
gnomAD v4.1: 38 of 1,612,880 alleles (0.0024%); highest among the groups gnomAD compares: South Asian, 0.036%; 2 homozygotes.

Submissions (2):

Labcorp Genetics (formerly Invitae), Labcorp
Classification: Likely benign for Facioscapulohumeral muscular dystrophy 2. Last evaluated: 2025-06-27. Review status: criteria provided, single submitter. Criteria: Invitae Variant Classification Sherloc (09022015). Collection method: clinical testing. Allele origin: germline.

CeGaT Center for Human Genetics Tuebingen
Classification: Likely benign. Last evaluated: 2022-10-01. Review status: criteria provided, single submitter. Criteria: CeGaT Center For Human Genetics Tuebingen Variant Classification Criteria Version 2. Collection method: clinical testing. Allele origin: germline. Affected: yes. Observed: 1 variant allele.
Comment: SMCHD1: BP4, BP7

NM_015295.3(SMCHD1):c.3435T>C (p.Pro1145=)

Gene: SMCHD1 (structural maintenance of chromosomes flexible hinge domain containing 1; plus strand). Cytogenetic location: 18p11.32.
Variant type: single nucleotide variant.
Coding change: c.3435T>C on transcript NM_015295.3 (MANE Select); coding-DNA position 3435, T replaced by C.
Protein change: p.Pro1145=; no amino-acid change (proline 1145 retained).
Molecular consequence: synonymous variant.
Genome position (GRCh38, 1-based): chr18:2,739,441, T>C. VCF-style: chr18-2739441-T-C. GRCh37 (hg19) VCF-style: chr18-2739439-T-C.
Identifiers: ClinVar variation 1637203 (VCV001637203.32), dbSNP rs747652827, ClinGen allele CA8871207.